The following is an entry in ClinVar:

ClinVar aggregate classification (germline): Pathogenic (1 of 4 stars; one submission).

Conditions:
Kabuki syndrome 1 (KABUK1). Also called: KMT2D-Related Kabuki Syndrome. Identifiers: Orphanet 2322, MedGen CN030661, MONDO:0007843, OMIM 147920.

Submission:

Laboratory of Medical Genetics, National & Kapodistrian University of Athens
Classification: Pathogenic for Kabuki syndrome 1. Last evaluated: 2024-05-21. Review status: criteria provided, single submitter. Criteria: ACMG Guidelines, 2015. Collection method: clinical testing. Allele origin: de novo. Affected: yes.
Comment: PVS1, PS2, PM2 - In silico prediction tools estimated that the variant could be damaging for the protein function/stracture. The variant was detected de novo (paternity confirmed).

NM_003482.4(KMT2D):c.15784+1G>C

Gene: KMT2D (lysine methyltransferase 2D; minus strand). Cytogenetic location: 12q13.12.
Variant type: single nucleotide variant.
Coding change: c.15784+1G>C on transcript NM_003482.4 (MANE Select); the canonical splice donor site of the intron after coding-DNA position 15784, G replaced by C.
Molecular consequence: splice donor variant.
Genome position (GRCh38, 1-based): chr12:49,026,181, C>G on the plus strand (G>C on the coding strand, the complement: KMT2D is on the minus strand). VCF-style: chr12-49026181-C-G. GRCh37 (hg19) VCF-style: chr12-49419964-C-G.
Identifiers: ClinVar variation 3256595 (VCV003256595.1).
Genomic context (GRCh38, chr12:49,026,181, plus strand): 5'-AGTGACCCTGGGAGAAACTTTTCCCATTCCATATTATCCATTTCAAGGGCCCACTGCTCA[C>G]CCTGGGGAGAGGCGTCAGTGAAGACCAGGTCCTCCAGGCCCTGCTCGATGACTTTGATTA-3'